The following is an entry in ClinVar:

ClinVar aggregate classification (germline): Uncertain significance. Review status: criteria provided, multiple submitters, no conflicts (2 of 4 stars). 3 submissions from 3 submitters: Uncertain significance (3). Last evaluated 2023-10-02.

Conditions:
Peroxisome biogenesis disorder, complementation group 7 (CG7). Also called: Peroxisome biogenesis disorder, complementation group B. Identifiers: MedGen C1864399.
Inborn genetic diseases. Identifiers: MedGen C0950123, MeSH D030342.

Allele frequency attached by ClinVar (database versions not stated): gnomAD exomes 0.00001 and 0.00002; ExAC 0.00002; TOPMed 0.00002.

Submissions (3):

Ambry Genetics
Classification: Uncertain significance for Inborn genetic diseases. Last evaluated: 2023-10-02. Review status: criteria provided, single submitter. Criteria: Ambry Variant Classification Scheme 2023. Collection method: clinical testing. Allele origin: germline.

Labcorp Genetics (formerly Invitae), Labcorp
Classification: Uncertain significance for Peroxisome biogenesis disorder, complementation group 7. Last evaluated: 2022-09-26. Review status: criteria provided, single submitter. Criteria: Invitae Variant Classification Sherloc (09022015). Collection method: clinical testing. Allele origin: germline.
Comment: This sequence change replaces histidine, which is basic and polar, with arginine, which is basic and polar, at codon 99 of the PEX10 protein (p.His99Arg). This variant is present in population databases (rs764465144, gnomAD 0.01%). This variant has not been reported in the literature in individuals affected with PEX10-related conditions. ClinVar contains an entry for this variant (Variation ID: 1510154). Algorithms developed to predict the effect of missense changes on protein structure and function are either unavailable or do not agree on the potential impact of this missense change (SIFT: "Deleterious"; PolyPhen-2: "Possibly Damaging"; Align-GVGD: "Class C0"). In summary, the available evidence is currently insufficient to determine the role of this variant in disease. Therefore, it has been classified as a Variant of Uncertain Significance.

Blueprint Genetics
Classification: Uncertain significance. Last evaluated: 2020-10-12. Review status: criteria provided, single submitter. Criteria: ACMG Guidelines, 2015. Collection method: clinical testing. Allele origin: germline.

NM_002617.4(PEX10):c.296A>G (p.His99Arg)

Gene: PEX10 (peroxisomal biogenesis factor 10; minus strand). Cytogenetic location: 1p36.32.
Variant type: single nucleotide variant.
Coding change: c.296A>G on transcript NM_002617.4 (MANE Select); coding-DNA position 296, A replaced by G.
Protein change: p.His99Arg; replaces histidine 99 with arginine.
Molecular consequence: missense variant. On other transcripts: 5 prime UTR variant (2), non-coding transcript variant (1).
Genome position (GRCh38, 1-based): chr1:2,408,756, T>C on the plus strand (A>G on the coding strand, the complement: PEX10 is on the minus strand). VCF-style: chr1-2408756-T-C. GRCh37 (hg19) VCF-style: chr1-2340195-T-C.
Other names: c.296A>G (NM_153818.1); c.296A>G, p.His99Arg (NM_001374425.1, NM_153818.2); c.-137A>G (NM_001374426.1, NM_001374427.1); short protein forms H99R.
Identifiers: ClinVar variation 1510154 (VCV001510154.5), dbSNP rs764465144, ClinGen allele CA538221.